The following is an entry in ClinVar:

NM_015443.4(KANSL1):c.1036C>A (p.Leu346Met)

Gene: KANSL1 (KAT8 regulatory NSL complex subunit 1). Cytogenetic location: 17q21.31.
Variant type: single nucleotide variant.
Coding change: c.1036C>A on transcript NM_015443.4 (MANE Select); coding-DNA position 1036, C replaced by A.
Protein change: p.Leu346Met; replaces leucine 346 with methionine.
Molecular consequence: missense variant. On other transcripts: intron variant (4).
Genome position (GRCh38, 1-based): chr17:46,171,108, G>T on the plus strand (C>A on the coding strand, the complement: KANSL1 is on the minus strand). VCF-style: chr17-46171108-G-T. GRCh37 (hg19) VCF-style: chr17-44248474-G-T.
Other names: c.1036C>A, p.Leu346Met (NM_001193465.2, NM_001193466.2, NM_001379198.1 and 18 more transcripts); c.23+52563C>A (NM_001405885.1, NM_001405884.1, NM_001405883.1 and 1 more transcripts); short protein forms L346M.
Identifiers: ClinVar variation 2647859 (VCV002647859.24), dbSNP rs1047432968, ClinGen allele CA399979551.

ClinVar aggregate classification (germline): Uncertain significance (1 of 4 stars; one submission).

Submission:

CeGaT Center for Human Genetics Tuebingen
Classification: Uncertain significance. Last evaluated: 2023-10-01. Review status: criteria provided, single submitter. Criteria: CeGaT Center For Human Genetics Tuebingen Variant Classification Criteria Version 2. Collection method: clinical testing. Allele origin: germline. Affected: yes. Observed: 1 variant allele.
Comment: KANSL1: PM2